The following is an entry in ClinVar:

ClinVar aggregate classification (germline): Uncertain significance. Review status: criteria provided, multiple submitters, no conflicts (2 of 4 stars). 4 submissions from 4 submitters: Uncertain significance (4). Last evaluated 2023-03-23.

Conditions:
Emery-Dreifuss muscular dystrophy 4, autosomal dominant (EDMD4). Also called: EMERY-DREIFUSS MUSCULAR DYSTROPHY 4 WITH VARIABLE FEATURES. Identifiers: Orphanet 261, MedGen C2751807, MONDO:0013071, OMIM 612998.
Autosomal recessive ataxia, Beauce type. Also called: SYNE1 Deficiency; Spinocerebellar ataxia, autosomal recessive 8; ATAXIA, RECESSIVE, OF BEAUCE; SYNE1-Related Autosomal Recessive Cerebellar Ataxia. Identifiers: Orphanet 88644, MedGen C1853116, MONDO:0012549, OMIM 610743.

Allele frequency attached by ClinVar (database versions not stated): TOPMed 0.00004; gnomAD 0.00006 and 0.00007; gnomAD exomes 0.00006 and 0.00017; 1000 Genomes Project 30x 0.00016; 1000 Genomes Project 0.00020; ExAC 0.00026.
gnomAD v4.1: 106 of 1,614,094 alleles (0.0066%); highest among the groups gnomAD compares: Non-Finnish European, 0.007%; no homozygotes.

Submissions (4):

Athena Diagnostics
Classification: Uncertain significance. Last evaluated: 2023-03-23. Review status: criteria provided, single submitter. Criteria: Athena Diagnostics Criteria. Collection method: clinical testing. Allele origin: unknown.
Comment: Available data are insufficient to determine the clinical significance of the variant at this time. The frequency of this variant in the general population is higher than would generally be expected for pathogenic variants in this gene. Computational tools disagree on the variant's effect on normal protein function.

Revvity Omics, Revvity
Classification: Uncertain significance. Last evaluated: 2021-09-20. Review status: criteria provided, single submitter. Criteria: ACMG Guidelines, 2015. Collection method: clinical testing. Allele origin: germline.

Labcorp Genetics (formerly Invitae), Labcorp
Classification: Uncertain significance for Emery-Dreifuss muscular dystrophy 4, autosomal dominant; Autosomal recessive ataxia, Beauce type. Last evaluated: 2021-02-24. Review status: criteria provided, single submitter. Criteria: Invitae Variant Classification Sherloc (09022015). Collection method: clinical testing. Allele origin: germline.
Comment: This sequence change replaces leucine with phenylalanine at codon 8268 of the SYNE1 protein (p.Leu8268Phe). The leucine residue is weakly conserved and there is a small physicochemical difference between leucine and phenylalanine. In summary, the available evidence is currently insufficient to determine the role of this variant in disease. Therefore, it has been classified as a Variant of Uncertain Significance. Algorithms developed to predict the effect of missense changes on protein structure and function are either unavailable or do not agree on the potential impact of this missense change (SIFT: "Deleterious"; PolyPhen-2: "Possibly Damaging"; Align-GVGD: "Class C0"). This variant has not been reported in the literature in individuals with SYNE1-related conditions. ClinVar contains an entry for this variant (Variation ID: 502661). This variant is present in population databases (rs200854314, ExAC 0.05%).

Eurofins Ntd Llc (ga)
Classification: Uncertain significance. Last evaluated: 2017-06-20. Review status: criteria provided, single submitter. Criteria: EGL Classification Definitions 2015. Collection method: clinical testing. Allele origin: germline. Observed: 2 variant alleles, 2 heterozygotes.

NM_001347702.2(SYNE1):c.1480C>T (p.Leu494Phe)

Gene: SYNE1 (spectrin repeat containing nuclear envelope protein 1; minus strand). Cytogenetic location: 6q25.2.
Variant type: single nucleotide variant.
Coding change: c.1480C>T on transcript NM_001347702.2 (MANE Plus Clinical); coding-DNA position 1480, C replaced by T.
Protein change: p.Leu494Phe; replaces leucine 494 with phenylalanine.
Molecular consequence: missense variant. On other transcripts: intron variant (2).
Genome position (GRCh38, 1-based): chr6:152,145,517, G>A on the plus strand (C>T on the coding strand, the complement: SYNE1 is on the minus strand). VCF-style: chr6-152145517-G-A. GRCh37 (hg19) VCF-style: chr6-152466652-G-A.
Other names: c.24802C>T (NM_033071.3, NM_033071.2); c.24802C>T, p.Leu8268Phe (NM_033071.5); c.24977-1752C>T (NM_182961.4); c.1583-1752C>T (NM_001347701.2); short protein forms L8268F, L494F.
Identifiers: ClinVar variation 502661 (VCV000502661.16), dbSNP rs200854314, ClinGen allele CA4053022.
Genomic context (GRCh38, chr6:152,145,517, plus strand): 5'-GGGAGGCTGGCTCCGGCTTGTTGTGCCTACCGGAGGTATTTTTGATTGCATTTTCTGTGA[G>A]TTTTACATAGGCCTCAGGGCTTTCGGGGATCATTACATCTGCAAAAAAAGCACAGTCTAA-3'
Protein context (NP_001334631.1, residues 484-504): IPESPEAYVK[Leu494Phe]TENAIKNTSG